The following is an entry in ClinVar:

NM_031935.3(HMCN1):c.5363G>A (p.Arg1788His)

Gene: HMCN1 (hemicentin 1; plus strand). Cytogenetic location: 1q31.1.
Variant type: single nucleotide variant.
Coding change: c.5363G>A on transcript NM_031935.3 (MANE Select); coding-DNA position 5363, G replaced by A.
Protein change: p.Arg1788His; replaces arginine 1788 with histidine.
Molecular consequence: missense variant.
Genome position (GRCh38, 1-based): chr1:186,018,245, G>A. VCF-style: chr1-186018245-G-A. GRCh37 (hg19) VCF-style: chr1-185987377-G-A.
Other names: short protein forms R1788H.
Identifiers: ClinVar variation 2307843 (VCV002307843.4), dbSNP rs779376620, ClinGen allele CA1292250.
Genomic context (GRCh38, chr1:186,018,245, plus strand): 5'-GGCTGAAGGATGGCCAGTTAATTGATGAAAGGGATGGATTCAAGATTTTATTAAATGGAC[G>A]CAAACTGGTTATTGCTCAGGCTCAAGTGTCAAACACAGGCCTTTATCGGTGCATGGCAGC-3'
Protein context (NP_114141.2, residues 1778-1798): RDGFKILLNG[Arg1788His]KLVIAQAQVS

ClinVar aggregate classification (germline): Uncertain significance. Review status: criteria provided, multiple submitters, no conflicts (2 of 4 stars). 2 submissions from 2 submitters: Uncertain significance (2). Last evaluated 2024-06-02.

Allele frequency attached by ClinVar (database versions not stated): TOPMed 0.00001; gnomAD 0.00003; ExAC 0.00007.
gnomAD v4.1: 72 of 1,612,458 alleles (0.0045%); highest among the groups gnomAD compares: South Asian, 0.014%; no homozygotes.

Submissions (2):

Labcorp Genetics (formerly Invitae), Labcorp
Classification: Uncertain significance. Last evaluated: 2024-06-02. Review status: criteria provided, single submitter. Criteria: Invitae Variant Classification Sherloc (09022015). Collection method: clinical testing. Allele origin: germline.
Comment: This sequence change replaces arginine, which is basic and polar, with histidine, which is basic and polar, at codon 1788 of the HMCN1 protein (p.Arg1788His). This variant is present in population databases (rs779376620, gnomAD 0.02%). This variant has not been reported in the literature in individuals affected with HMCN1-related conditions. ClinVar contains an entry for this variant (Variation ID: 2307843). Algorithms developed to predict the effect of missense changes on protein structure and function output the following: SIFT: "Not Available"; PolyPhen-2: "Benign"; Align-GVGD: "Not Available". The histidine amino acid residue is found in multiple mammalian species, which suggests that this missense change does not adversely affect protein function. In summary, the available evidence is currently insufficient to determine the role of this variant in disease. Therefore, it has been classified as a Variant of Uncertain Significance.

Ambry Genetics
Classification: Uncertain significance. Last evaluated: 2022-07-07. Review status: criteria provided, single submitter. Criteria: Ambry Variant Classification Scheme 2023. Collection method: clinical testing. Allele origin: germline.